The following is an entry in ClinVar:

ClinVar aggregate classification (germline): Likely benign. Review status: criteria provided, single submitter (1 of 4 stars). 2 submissions from 2 submitters: Likely benign (1). 1 of the submissions does not count toward it. Last evaluated 2024-10-02.

Conditions:
PDE4D-related disorder. Also called: PDE4D-related condition.

Allele frequency attached by ClinVar (database versions not stated): gnomAD exomes 0.00034; ExAC 0.00103; gnomAD 0.00363; TOPMed 0.00412; ESP Exome Variant Server 0.00419; 1000 Genomes Project 30x 0.00422; 1000 Genomes Project 0.00459.
gnomAD v4.1: 1,065 of 1,598,354 alleles (0.067%); highest among the groups gnomAD compares: African/African-American, 1.3%; 8 homozygotes.

Submissions (2):

Blueprint Genetics
Classification: Likely benign. Last evaluated: 2024-10-02. Review status: criteria provided, single submitter. Criteria: ACMG Guidelines, 2015. Collection method: clinical testing. Allele origin: germline.

PreventionGenetics, part of Exact Sciences
Classification: Likely benign for PDE4D-related condition. Last evaluated: 2019-04-30. Review status: no assertion criteria provided. Collection method: clinical testing. Allele origin: germline. Not counted in ClinVar's aggregate classification.
Comment: This variant is classified as likely benign based on ACMG/AMP sequence variant interpretation guidelines (Richards et al. 2015 PMID: 25741868, with internal and published modifications).

NM_001104631.2(PDE4D):c.455+124820C>G

Genes: PDE4D (phosphodiesterase 4D; minus strand), LOC126807405 (BRD4-independent group 4 enhancer GRCh37_chr5:59063568-59064767; plus strand). Cytogenetic location: 5q12.1.
Variant type: single nucleotide variant.
Coding change: c.455+124820C>G on transcript NM_001104631.2 (MANE Select); 124820 bases into the intron after coding-DNA position 455, C replaced by G.
Molecular consequence: intron variant. On other transcripts: synonymous variant (3), 5 prime UTR variant (1).
Genome position (GRCh38, 1-based): chr5:59,768,348, G>C on the plus strand (C>G on the coding strand, the complement: PDE4D is on the minus strand). VCF-style: chr5-59768348-G-C. GRCh37 (hg19) VCF-style: chr5-59064174-G-C.
Other names: c.162C>G, p.Leu54= (NM_001197218.2, NM_001364601.1, NM_001364602.2); c.-597C>G (NM_001364603.1); c.272+220140C>G (NM_001364599.1, NM_001165899.2, NM_001364600.2); c.-240+220140C>G (NM_001349243.2); c.242+220140C>G (NM_001349241.2).
Identifiers: ClinVar variation 3043673 (VCV003043673.3), dbSNP rs148392104, ClinGen allele CA3276610.